The following is an entry in ClinVar:

ClinVar aggregate classification (germline): Uncertain significance (1 of 4 stars; one submission).

Submission:

Ambry Genetics
Classification: Uncertain significance. Last evaluated: 2021-06-21. Review status: criteria provided, single submitter. Criteria: Ambry Variant Classification Scheme 2023. Collection method: clinical testing. Allele origin: germline.
Comment: The p.Y66C variant (also known as c.197A>G), located in coding exon 3 of the NPAT gene, results from an A to G substitution at nucleotide position 197. The tyrosine at codon 66 is replaced by cysteine, an amino acid with highly dissimilar properties. This amino acid position is conserved. In addition, the in silico prediction for this alteration is inconclusive. Since supporting evidence is limited at this time, the clinical significance of this alteration remains unclear.

NM_002519.3(NPAT):c.197A>G (p.Tyr66Cys)

Gene: NPAT (nuclear protein, coactivator of histone transcription; minus strand). Cytogenetic location: 11q22.3.
Variant type: single nucleotide variant.
Coding change: c.197A>G on transcript NM_002519.3 (MANE Select); coding-DNA position 197, A replaced by G.
Protein change: p.Tyr66Cys; replaces tyrosine 66 with cysteine.
Molecular consequence: missense variant.
Genome position (GRCh38, 1-based): chr11:108,193,977, T>C on the plus strand (A>G on the coding strand, the complement: NPAT is on the minus strand). VCF-style: chr11-108193977-T-C. GRCh37 (hg19) VCF-style: chr11-108064704-T-C.
Other names: c.197A>G, p.Tyr66Cys (NM_001321307.1); short protein forms Y66C.
Identifiers: ClinVar variation 1783774 (VCV001783774.2), dbSNP rs2496754405, ClinGen allele CA382526807.